The following is an entry in ClinVar:

NM_000455.5(STK11):c.290+4A>T

Gene: STK11 (serine/threonine kinase 11; plus strand). Cytogenetic location: 19p13.3.
Variant type: single nucleotide variant.
Coding change: c.290+4A>T on transcript NM_000455.5 (MANE Select); 4 bases into the intron after coding-DNA position 290, A replaced by T.
Molecular consequence: intron variant.
Genome position (GRCh38, 1-based): chr19:1,207,207, A>T. VCF-style: chr19-1207207-A-T. GRCh37 (hg19) VCF-style: chr19-1207206-A-T.
Identifiers: ClinVar variation 1043492 (VCV001043492.7), dbSNP rs2080673714, ClinGen allele CA2317581752.

ClinVar aggregate classification (germline): Uncertain significance (1 of 4 stars; one submission).

Conditions:
Peutz-Jeghers syndrome (PJS). Also called: POLYPOSIS, HAMARTOMATOUS INTESTINAL; POLYPS-AND-SPOTS SYNDROME; Peutz-Jeghers polyposis; Periorificial lentiginosis syndrome. Identifiers: Orphanet 2869, MedGen C0031269, MeSH D010580, MONDO:0008280, OMIM 175200.

Submission:

Labcorp Genetics (formerly Invitae), Labcorp
Classification: Uncertain significance for Peutz-Jeghers syndrome. Last evaluated: 2023-03-22. Review status: criteria provided, single submitter. Criteria: Invitae Variant Classification Sherloc (09022015). Collection method: clinical testing. Allele origin: germline.
Comment: This sequence change falls in intron 1 of the STK11 gene. It does not directly change the encoded amino acid sequence of the STK11 protein. It affects a nucleotide within the consensus splice site. This variant is not present in population databases (gnomAD no frequency). This variant has not been reported in the literature in individuals affected with STK11-related conditions. ClinVar contains an entry for this variant (Variation ID: 1043492). Variants that disrupt the consensus splice site are a relatively common cause of aberrant splicing (PMID: 17576681, 9536098). Algorithms developed to predict the effect of sequence changes on RNA splicing suggest that this variant is not likely to affect RNA splicing. In summary, the available evidence is currently insufficient to determine the role of this variant in disease. Therefore, it has been classified as a Variant of Uncertain Significance.

Literature cited by the submitters: PubMed 17576681; PubMed 9536098.